The following is an entry in ClinVar:

NM_004568.6(SERPINB6):c.728C>T (p.Thr243Met)

Gene: SERPINB6 (serpin family B member 6; minus strand). Cytogenetic location: 6p25.2.
Variant type: single nucleotide variant.
Coding change: c.728C>T on transcript NM_004568.6 (MANE Select); coding-DNA position 728, C replaced by T.
Protein change: p.Thr243Met; replaces threonine 243 with methionine.
Molecular consequence: missense variant. On other transcripts: non-coding transcript variant (1).
Genome position (GRCh38, 1-based): chr6:2,948,915, G>A on the plus strand (C>T on the coding strand, the complement: SERPINB6 is on the minus strand). VCF-style: chr6-2948915-G-A. GRCh37 (hg19) VCF-style: chr6-2949149-G-A.
Other names: c.740C>T, p.Thr247Met (NM_001195291.3, NM_001374515.1); c.728C>T (NM_004568.5); c.770C>T, p.Thr257Met (NM_001271822.2); c.785C>T, p.Thr262Met (NM_001271823.2); c.728C>T, p.Thr243Met (NM_001271824.2, NM_001271825.2, NM_001297699.2 and 2 more transcripts); c.596C>T, p.Thr199Met (NM_001374517.1); short protein forms T199M, T247M, T243M, T262M, T257M.
Identifiers: ClinVar variation 1447157 (VCV001447157.11), dbSNP rs776896710, ClinGen allele CA3617450.

ClinVar aggregate classification (germline): Uncertain significance. Review status: criteria provided, multiple submitters, no conflicts (2 of 4 stars). 3 submissions from 3 submitters: Uncertain significance (3). Last evaluated 2025-05-30.

Allele frequency attached by ClinVar (database versions not stated): ExAC 0.00002; gnomAD 0.00002; TOPMed 0.00002; gnomAD exomes 0.00004.

Submissions (3):

GeneDx
Classification: Uncertain significance. Last evaluated: 2025-05-30. Review status: criteria provided, single submitter. Criteria: GeneDx Variant Classification Process June 2021. Collection method: clinical testing. Allele origin: germline.
Comment: In silico analysis suggests that this missense variant does not alter protein structure/function; Has not been previously published as pathogenic or benign to our knowledge

Ambry Genetics
Classification: Uncertain significance. Last evaluated: 2024-11-11. Review status: criteria provided, single submitter. Criteria: Ambry Variant Classification Scheme 2023. Collection method: clinical testing. Allele origin: germline.

Labcorp Genetics (formerly Invitae), Labcorp
Classification: Uncertain significance. Last evaluated: 2020-12-11. Review status: criteria provided, single submitter. Criteria: Invitae Variant Classification Sherloc (09022015). Collection method: clinical testing. Allele origin: germline.
Comment: In summary, the available evidence is currently insufficient to determine the role of this variant in disease. Therefore, it has been classified as a Variant of Uncertain Significance. This sequence change replaces threonine with methionine at codon 243 of the SERPINB6 protein (p.Thr243Met). The threonine residue is weakly conserved and there is a moderate physicochemical difference between threonine and methionine. This variant is present in population databases (rs776896710, ExAC 0.004%). This variant has not been reported in the literature in individuals with SERPINB6-related conditions. Algorithms developed to predict the effect of missense changes on protein structure and function output the following: SIFT: "Tolerated"; PolyPhen-2: "Benign"; Align-GVGD: "Class C0". The methionine amino acid residue is found in multiple mammalian species, suggesting that this missense change does not adversely affect protein function. These predictions have not been confirmed by published functional studies and their clinical significance is uncertain. Algorithms developed to predict the effect of sequence changes on RNA splicing suggest that this variant may disrupt the consensus splice site, but this prediction has not been confirmed by published transcriptional studies.